The following is an entry in ClinVar:

NM_000878.5(IL2RB):c.935C>A (p.Ser312Tyr)

Gene: IL2RB (interleukin 2 receptor subunit beta; minus strand). Cytogenetic location: 22q12.3.
Variant type: single nucleotide variant.
Coding change: c.935C>A on transcript NM_000878.5 (MANE Select); coding-DNA position 935, C replaced by A.
Protein change: p.Ser312Tyr; replaces serine 312 with tyrosine.
Molecular consequence: missense variant.
Genome position (GRCh38, 1-based): chr22:37,128,817, G>T on the plus strand (C>A on the coding strand, the complement: IL2RB is on the minus strand). VCF-style: chr22-37128817-G-T. GRCh37 (hg19) VCF-style: chr22-37524857-G-T.
Other names: c.935C>A, p.Ser312Tyr (NM_001346222.1, NM_001346223.2); short protein forms S312Y.
Identifiers: ClinVar variation 1901170 (VCV001901170.5), dbSNP rs770592834, ClinGen allele CA411425906.

ClinVar aggregate classification (germline): Uncertain significance (1 of 4 stars; one submission).

Submission:

Labcorp Genetics (formerly Invitae), Labcorp
Classification: Uncertain significance. Last evaluated: 2022-06-16. Review status: criteria provided, single submitter. Criteria: Invitae Variant Classification Sherloc (09022015). Collection method: clinical testing. Allele origin: germline.
Comment: This variant is not present in population databases (gnomAD no frequency). This variant has not been reported in the literature in individuals affected with IL2RB-related conditions. Algorithms developed to predict the effect of missense changes on protein structure and function are either unavailable or do not agree on the potential impact of this missense change (SIFT: "Deleterious"; PolyPhen-2: "Probably Damaging"; Align-GVGD: "Class C0"). In summary, the available evidence is currently insufficient to determine the role of this variant in disease. Therefore, it has been classified as a Variant of Uncertain Significance. This sequence change replaces serine, which is neutral and polar, with tyrosine, which is neutral and polar, at codon 312 of the IL2RB protein (p.Ser312Tyr).